The following is an entry in ClinVar:

ClinVar aggregate classification (germline): Pathogenic (1 of 4 stars; one submission).

gnomAD v4.1: 5 of 1,614,076 alleles (0.00031%); highest among the groups gnomAD compares: East Asian, 0.0089%; no homozygotes.

Submission:

Labcorp Genetics (formerly Invitae), Labcorp
Classification: Pathogenic. Last evaluated: 2025-08-03. Review status: criteria provided, single submitter. Criteria: Invitae Variant Classification Sherloc (09022015). Collection method: clinical testing. Allele origin: germline.
Comment: This sequence change creates a premature translational stop signal (p.Gln697*) in the LAMC3 gene. It is expected to result in an absent or disrupted protein product. Loss-of-function variants in LAMC3 are known to be pathogenic (PMID: 21572413, 26802095). This variant is not present in population databases (gnomAD no frequency). This variant has not been reported in the literature in individuals affected with LAMC3-related conditions. ClinVar contains an entry for this variant (Variation ID: 3615720). For these reasons, this variant has been classified as Pathogenic.

Literature cited by the submitters: PubMed 21572413; PubMed 26802095.

NM_006059.4(LAMC3):c.2089C>T (p.Gln697Ter)

Gene: LAMC3 (laminin subunit gamma 3; plus strand). Cytogenetic location: 9q34.12.
Variant type: single nucleotide variant.
Coding change: c.2089C>T on transcript NM_006059.4 (MANE Select); coding-DNA position 2089, C replaced by T.
Protein change: p.Gln697Ter; replaces glutamine 697 with a stop codon.
Molecular consequence: nonsense.
Genome position (GRCh38, 1-based): chr9:131,057,078, C>T. VCF-style: chr9-131057078-C-T. GRCh37 (hg19) VCF-style: chr9-133932465-C-T.
Other names: short protein forms Q697*.
Identifiers: ClinVar variation 3615720 (VCV003615720.2).